The following is an entry in ClinVar:

NM_003383.5(VLDLR):c.1707del (p.Phe569fs)

Gene: VLDLR (very low density lipoprotein receptor; plus strand). Cytogenetic location: 9p24.2.
Variant type: Deletion.
Coding change: c.1707del on transcript NM_003383.5 (MANE Select); coding-DNA position 1707, one base deleted (T; older notation c.1707delT).
Protein change: p.Phe569fs; shifts the reading frame from phenylalanine 569.
Molecular consequence: frameshift variant.
Genome position (GRCh38, 1-based): chr9:2,647,477, T deleted; the last of 3 consecutive T bases (chr9:2,647,475-2,647,477); deleting any one gives the same sequence. VCF-style (leftmost placement, unchanged base first): chr9-2647474-CT-C. GRCh37 (hg19) VCF-style: chr9-2647474-CT-C.
Other names: c.1707del, p.Phe569fs (NM_001018056.3); c.1584del, p.Phe528fs (NM_001322225.2, NM_001322226.2); short protein forms F528fs, F569fs.
Identifiers: ClinVar variation 2842085 (VCV002842085.3), dbSNP rs2488734725, ClinGen allele CA2739269087.

ClinVar aggregate classification (germline): Pathogenic (1 of 4 stars; one submission).

Submission:

Labcorp Genetics (formerly Invitae), Labcorp
Classification: Pathogenic. Last evaluated: 2023-03-02. Review status: criteria provided, single submitter. Criteria: Invitae Variant Classification Sherloc (09022015). Collection method: clinical testing. Allele origin: germline.
Comment: For these reasons, this variant has been classified as Pathogenic. This variant has not been reported in the literature in individuals affected with VLDLR-related conditions. This variant is not present in population databases (gnomAD no frequency). This sequence change creates a premature translational stop signal (p.Phe569Leufs*13) in the VLDLR gene. It is expected to result in an absent or disrupted protein product. Loss-of-function variants in VLDLR are known to be pathogenic (PMID: 18043714, 18326629, 22532556).

Literature cited by the submitters: PubMed 18043714; PubMed 18326629; PubMed 22532556.